The following is an entry in ClinVar:

ClinVar aggregate classification (germline): Uncertain significance (1 of 4 stars; one submission).

Conditions:
Nemaline myopathy 2 (NEM2). Also called: Nemaline myopathy 2, autosomal recessive. Identifiers: MedGen C1850569, MONDO:0009725, OMIM 256030.

Submission:

Labcorp Genetics (formerly Invitae), Labcorp
Classification: Uncertain significance for Nemaline myopathy 2. Last evaluated: 2022-07-26. Review status: criteria provided, single submitter. Criteria: Invitae Variant Classification Sherloc (09022015). Collection method: clinical testing. Allele origin: germline.
Comment: This sequence change falls in intron 28 of the NEB gene. It does not directly change the encoded amino acid sequence of the NEB protein. It affects a nucleotide within the consensus splice site. This variant is not present in population databases (gnomAD no frequency). This variant has been observed in individual(s) with nemaline myopathy (PMID: 16917880). In at least one individual the data is consistent with being in trans (on the opposite chromosome) from a pathogenic variant. This variant is also known as g.48384G>C. ClinVar contains an entry for this variant (Variation ID: 1435142). Variants that disrupt the consensus splice site are a relatively common cause of aberrant splicing (PMID: 17576681, 9536098). Algorithms developed to predict the effect of sequence changes on RNA splicing suggest that this variant may disrupt the consensus splice site. In summary, the available evidence is currently insufficient to determine the role of this variant in disease. Therefore, it has been classified as a Variant of Uncertain Significance.

Literature cited by the submitters: PubMed 16917880; PubMed 17576681; PubMed 9536098.

NM_001164508.2(NEB):c.2835+5G>C

Gene: NEB (nebulin; minus strand). Cytogenetic location: 2q23.3.
Variant type: single nucleotide variant.
Coding change: c.2835+5G>C on transcript NM_001164508.2 (MANE Select); 5 bases into the intron after coding-DNA position 2835, G replaced by C.
Molecular consequence: intron variant.
Genome position (GRCh38, 1-based): chr2:151,684,773, C>G on the plus strand (G>C on the coding strand, the complement: NEB is on the minus strand). VCF-style: chr2-151684773-C-G. GRCh37 (hg19) VCF-style: chr2-152541287-C-G.
Other names: c.2835+5G>C (NM_004543.5, NM_001164507.2, NM_001271208.2).
Identifiers: ClinVar variation 1435142 (VCV001435142.6), dbSNP rs2148837364, ClinGen allele CA2573133229.